The following is an entry in ClinVar:

ClinVar aggregate classification (germline): Uncertain significance. Review status: criteria provided, multiple submitters, no conflicts (2 of 4 stars). 5 submissions from 5 submitters: Uncertain significance (4). 1 of the submissions does not count toward it. Last evaluated 2024-01-01.

Conditions:
Hereditary cancer-predisposing syndrome. Also called: Hereditary neoplastic syndrome; Neoplastic Syndromes, Hereditary; Tumor predisposition; Hereditary Cancer Syndrome. Identifiers: Orphanet 140162, MedGen C0027672, MeSH D009386, MONDO:0015356.
Microcephaly, normal intelligence and immunodeficiency (NBS). Also called: IMMUNODEFICIENCY, MICROCEPHALY, AND CHROMOSOMAL INSTABILITY; SEEMANOVA SYNDROME II; Nijmegen breakage syndrome; Microcephaly with normal intelligence immunodeficiency and lymphoreticular malignancies; Nonsyndromal microcephaly autosomal recessive with normal intelligence; Seemanova syndrome 2. Identifiers: Orphanet 647, MedGen C0398791, MONDO:0009623, OMIM 251260.

Allele frequency attached by ClinVar (database versions not stated): gnomAD exomes below 0.00001.
gnomAD v4.1: 1 of 1,613,908 alleles (0.000062%); highest among the groups gnomAD compares: Non-Finnish European, 0.000085%; no homozygotes.

Submissions (5):

Labcorp Genetics (formerly Invitae), Labcorp
Classification: Uncertain significance for Microcephaly, normal intelligence and immunodeficiency. Last evaluated: 2024-01-01. Review status: criteria provided, single submitter. Criteria: Invitae Variant Classification Sherloc (09022015). Collection method: clinical testing. Allele origin: germline.
Comment: This sequence change replaces serine, which is neutral and polar, with glycine, which is neutral and non-polar, at codon 410 of the NBN protein (p.Ser410Gly). This variant is present in population databases (no rsID available, gnomAD 0.0009%). This missense change has been observed in individual(s) with breast cancer (PMID: 35264596). ClinVar contains an entry for this variant (Variation ID: 461495). An algorithm developed to predict the effect of missense changes on protein structure and function (PolyPhen-2) suggests that this variant is likely to be tolerated. In summary, the available evidence is currently insufficient to determine the role of this variant in disease. Therefore, it has been classified as a Variant of Uncertain Significance.

Genome-Nilou Lab
Classification: Uncertain significance for Microcephaly, normal intelligence and immunodeficiency. Last evaluated: 2021-11-07. Review status: criteria provided, single submitter. Criteria: ACMG Guidelines, 2015. Collection method: clinical testing. Allele origin: germline. Affected: no.

Ambry Genetics
Classification: Uncertain significance for Hereditary cancer-predisposing syndrome. Last evaluated: 2021-05-30. Review status: criteria provided, single submitter. Criteria: Ambry Variant Classification Scheme 2023. Collection method: clinical testing. Allele origin: germline.
Comment: The p.S410G variant (also known as c.1228A>G), located in coding exon 10 of the NBN gene, results from an A to G substitution at nucleotide position 1228. The serine at codon 410 is replaced by glycine, an amino acid with similar properties. This amino acid position is not well conserved in available vertebrate species. In addition, this alteration is predicted to be tolerated by in silico analysis. Since supporting evidence is limited at this time, the clinical significance of this alteration remains unclear.

Mendelics
Classification: Uncertain significance for Microcephaly, normal intelligence and immunodeficiency. Last evaluated: 2018-07-02. Review status: criteria provided, single submitter. Criteria: Mendelics Assertion Criteria 2017. Collection method: clinical testing. Allele origin: unknown.

Natera, Inc.
Classification: Uncertain significance for Nijmegen breakage syndrome. Last evaluated: 2025-02-14. Review status: no assertion criteria provided. Collection method: clinical testing. Allele origin: germline. Not counted in ClinVar's aggregate classification.

Literature cited by the submitters: PubMed 35264596 (cited by Labcorp Genetics (formerly Invitae), Labcorp).

NM_002485.5(NBN):c.1228A>G (p.Ser410Gly)

Gene: NBN (nibrin; minus strand). Cytogenetic location: 8q21.3.
Variant type: single nucleotide variant.
Coding change: c.1228A>G on transcript NM_002485.5 (MANE Select); coding-DNA position 1228, A replaced by G.
Protein change: p.Ser410Gly; replaces serine 410 with glycine.
Molecular consequence: missense variant.
Genome position (GRCh38, 1-based): chr8:89,955,452, T>C on the plus strand (A>G on the coding strand, the complement: NBN is on the minus strand). VCF-style: chr8-89955452-T-C. GRCh37 (hg19) VCF-style: chr8-90967680-T-C.
Other names: c.982A>G, p.Ser328Gly (NM_001024688.3); short protein forms S410G, S328G.
Identifiers: ClinVar variation 461495 (VCV000461495.17), dbSNP rs1185542329, ClinGen allele CA371656315.